The following is an entry in ClinVar:

NM_001009944.3(PKD1):c.9592C>T (p.Gln3198Ter)

Gene: PKD1 (polycystin 1, transient receptor potential channel interacting; minus strand). Cytogenetic location: 16p13.3.
Variant type: single nucleotide variant.
Coding change: c.9592C>T on transcript NM_001009944.3 (MANE Select); coding-DNA position 9592, C replaced by T.
Protein change: p.Gln3198Ter; replaces glutamine 3198 with a stop codon.
Molecular consequence: nonsense.
Genome position (GRCh38, 1-based): chr16:2,100,286, G>A on the plus strand (C>T on the coding strand, the complement: PKD1 is on the minus strand). VCF-style: chr16-2100286-G-A. GRCh37 (hg19) VCF-style: chr16-2150287-G-A.
Other names: c.9592C>T, p.Gln3198Ter (NM_000296.4); short protein forms Q3198*.
Identifiers: ClinVar variation 972846 (VCV000972846.4), dbSNP rs1474701377, ClinGen allele CA394355497.

ClinVar aggregate classification (germline): Pathogenic. Review status: criteria provided, multiple submitters, no conflicts (2 of 4 stars). 4 submissions from 4 submitters: Pathogenic (4). Last evaluated 2025-10-20.

Conditions:
Polycystic kidney disease, adult type (PKD1). Also called: POLYCYSTIC KIDNEY DISEASE, ADULT, TYPE I; Polycystic Kidney, Autosomal Dominant; POLYCYSTIC KIDNEY DISEASE 1 WITH OR WITHOUT POLYCYSTIC LIVER DISEASE; Polycystic Kidney Disease 1, Autosomal Dominant; Polycystic kidney disease 1; Polycystic kidney disease 1, severe. Identifiers: MedGen C3149841, MONDO:0008263, OMIM 173900.
PKD1-related disorder. Also called: PKD1-related condition.

Submissions (4):

3billion
Classification: Pathogenic for Polycystic kidney disease, adult type. Last evaluated: 2025-10-20. Review status: criteria provided, single submitter. Criteria: ACMG Guidelines, 2015. Collection method: clinical testing. Allele origin: germline. Affected: yes.
Comment: The variant is not observed in the gnomAD v4.1.0 dataset. Predicted Consequence/Location: Stop-gained (nonsense): predicted to result in a loss or disruption of normal protein function through nonsense-mediated decay (NMD) or protein truncation. Multiple pathogenic variants are reported downstream of the variant. The variant has been reported at least twice as pathogenic without evidence for the classification (ClinVar ID: VCV000972846 /PMID: 22508176). Therefore, this variant is classified as Pathogenic according to the recommendation of ACMG/AMP guideline.

Blueprint Genetics
Classification: Pathogenic for PKD1-related disorders. Last evaluated: 2022-04-22. Review status: criteria provided, single submitter. Criteria: ACMG Guidelines, 2015. Collection method: clinical testing. Allele origin: germline. Affected: yes. Observed: 1 variant allele.

Fulgent Genetics
Classification: Pathogenic for Polycystic kidney disease, adult type. Last evaluated: 2021-09-13. Review status: criteria provided, single submitter. Criteria: ACMG Guidelines, 2015. Collection method: clinical testing. Allele origin: unknown.

Molecular Genetics of Inherited Kidney Disorders Laboratory, Garvan Institute of Medical Research
Classification: Pathogenic. Last evaluated: 2019-01-01. Review status: criteria provided, single submitter. Criteria: ACMG Guidelines, 2015. Collection method: clinical testing. Allele origin: germline. Affected: yes.

Literature cited by the submitters: PubMed 22508176 (cited by 3billion).